The following is an entry in ClinVar:

ClinVar aggregate classification (germline): Pathogenic (1 of 4 stars; one submission).

Submission:

Labcorp Genetics (formerly Invitae), Labcorp
Classification: Pathogenic. Last evaluated: 2021-01-12. Review status: criteria provided, single submitter. Criteria: Invitae Variant Classification Sherloc (09022015). Collection method: clinical testing. Allele origin: germline.
Comment: This variant is an out-of-frame deletion of the genomic region encompassing exon(s) 3-6 of the ALPL gene. This is expected to create a premature translational stop signal and result in an absent or disrupted protein product. This variant has not been reported in the literature in individuals with ALPL-related conditions. Loss-of-function variants in ALPL are known to be pathogenic (PMID: 3174660, 10679946, 19500388). For these reasons, this variant has been classified as Pathogenic.

Literature cited by the submitters: PubMed 3174660; PubMed 10679946; PubMed 19500388.

NC_000001.11:g.(?_21560626)_(21564216_?)del

Gene: ALPL (alkaline phosphatase, biomineralization associated; plus strand). Cytogenetic location: 1p36.12.
Variant type: Deletion.
Identifiers: ClinVar variation 833230 (VCV000833230.4).